The following is an entry in ClinVar:

NM_004924.6(ACTN4):c.2688C>T (p.Leu896=)

Gene: ACTN4 (actinin alpha 4; plus strand). Cytogenetic location: 19q13.2.
Variant type: single nucleotide variant.
Coding change: c.2688C>T on transcript NM_004924.6 (MANE Select); coding-DNA position 2688, C replaced by T.
Protein change: p.Leu896=; no amino-acid change (leucine 896 retained).
Molecular consequence: synonymous variant.
Genome position (GRCh38, 1-based): chr19:38,729,384, C>T. VCF-style: chr19-38729384-C-T. GRCh37 (hg19) VCF-style: chr19-39220024-C-T.
Other names: c.2673C>T, p.Leu891= (NM_001322033.2); c.2688C>T, p.Leu896= (NM_001411143.1).
Identifiers: ClinVar variation 3043382 (VCV003043382.5), dbSNP rs572002237, ClinGen allele CA9418141.
Genomic context (GRCh38, chr19:38,729,384, plus strand): 5'-CGAGTACTGCATCGCCCGCATGGCGCCATACCAGGGCCCTGACGCCGTGCCCGGTGCCCT[C>T]GACTACAAGTCCTTCTCCACGGCCTTGTATGGCGAGAGCGACCTGTGAGGCCCCAGAGAC-3'
Protein context (NP_004915.2, residues 886-906): YQGPDAVPGA[Leu896=]DYKSFSTALY

ClinVar aggregate classification (germline): Likely benign. Review status: criteria provided, multiple submitters, no conflicts (2 of 4 stars). 3 submissions from 3 submitters: Likely benign (2). 1 of the submissions does not count toward it. Last evaluated 2025-11-19.

Conditions:
ACTN4-related disorder. Also called: ACTN4-related condition.

Allele frequency attached by ClinVar (database versions not stated): TOPMed 0.00005; gnomAD 0.00007; gnomAD exomes 0.00009; ExAC 0.00011; 1000 Genomes Project 0.00040; 1000 Genomes Project 30x 0.00047.
gnomAD v4.1: 141 of 1,612,826 alleles (0.0087%); highest among the groups gnomAD compares: South Asian, 0.072%; no homozygotes.

Submissions (3):

Labcorp Genetics (formerly Invitae), Labcorp
Classification: Likely benign. Last evaluated: 2025-11-19. Review status: criteria provided, single submitter. Criteria: Invitae Variant Classification Sherloc (09022015). Collection method: clinical testing. Allele origin: germline.

Blueprint Genetics
Classification: Likely benign. Last evaluated: 2024-10-17. Review status: criteria provided, single submitter. Criteria: ACMG Guidelines, 2015. Collection method: clinical testing. Allele origin: germline.

PreventionGenetics, part of Exact Sciences
Classification: Likely benign for ACTN4-related condition. Last evaluated: 2019-07-01. Review status: no assertion criteria provided. Collection method: clinical testing. Allele origin: germline. Not counted in ClinVar's aggregate classification.
Comment: This variant is classified as likely benign based on ACMG/AMP sequence variant interpretation guidelines (Richards et al. 2015 PMID: 25741868, with internal and published modifications).